The following is an entry in ClinVar:

ClinVar aggregate classification (germline): Uncertain significance. Review status: criteria provided, multiple submitters, no conflicts (2 of 4 stars). 3 submissions from 3 submitters: Uncertain significance (3). Last evaluated 2025-12-15.

Conditions:
Inborn genetic diseases. Identifiers: MedGen C0950123, MeSH D030342.
Familial hemiplegic migraine. Identifiers: MedGen C0338484, MONDO:0000700.

Allele frequency attached by ClinVar (database versions not stated): gnomAD exomes below 0.00001; gnomAD 0.00002; TOPMed 0.00002.
gnomAD v4.1: 43 of 1,614,082 alleles (0.0027%); highest among the groups gnomAD compares: Non-Finnish European, 0.0034%; no homozygotes.

Submissions (3):

Ambry Genetics
Classification: Uncertain significance for Inborn genetic diseases. Last evaluated: 2025-12-15. Review status: criteria provided, single submitter. Criteria: Ambry Variant Classification Scheme 2023. Collection method: clinical testing. Allele origin: germline.
Comment: The c.2977C>T (p.L993F) alteration is located in exon 22 (coding exon 22) of the ATP1A2 gene. This alteration results from a C to T substitution at nucleotide position 2977, causing the leucine (L) at amino acid position 993 to be replaced by a phenylalanine (F). Based on data from gnomAD, the T allele has an overall frequency of <0.001% (1/251402) total alleles studied. The highest observed frequency was 0.001% (1/113708) of European (non-Finnish) alleles. Based on insufficient or conflicting evidence, the clinical significance of this alteration remains unclear.

Labcorp Genetics (formerly Invitae), Labcorp
Classification: Uncertain significance for Familial hemiplegic migraine. Last evaluated: 2025-07-02. Review status: criteria provided, single submitter. Criteria: Invitae Variant Classification Sherloc (09022015). Collection method: clinical testing. Allele origin: germline.
Comment: This sequence change replaces leucine, which is neutral and non-polar, with phenylalanine, which is neutral and non-polar, at codon 993 of the ATP1A2 protein (p.Leu993Phe). This variant is present in population databases (no rsID available, gnomAD 0.0009%). This variant has not been reported in the literature in individuals affected with ATP1A2-related conditions. ClinVar contains an entry for this variant (Variation ID: 585461). Invitae Evidence Modeling of protein sequence and biophysical properties (such as structural, functional, and spatial information, amino acid conservation, physicochemical variation, residue mobility, and thermodynamic stability) has been performed for this missense variant. However, the output from this modeling did not meet the statistical confidence thresholds required to predict the impact of this variant on ATP1A2 protein function. In summary, the available evidence is currently insufficient to determine the role of this variant in disease. Therefore, it has been classified as a Variant of Uncertain Significance.

Athena Diagnostics
Classification: Uncertain significance. Last evaluated: 2017-11-28. Review status: criteria provided, single submitter. Criteria: Athena Diagnostics Criteria. Collection method: clinical testing. Allele origin: germline.

NM_000702.4(ATP1A2):c.2977C>T (p.Leu993Phe)

Gene: ATP1A2 (ATPase Na+/K+ transporting subunit alpha 2; plus strand). Cytogenetic location: 1q23.2.
Variant type: single nucleotide variant.
Coding change: c.2977C>T on transcript NM_000702.4 (MANE Select); coding-DNA position 2977, C replaced by T.
Protein change: p.Leu993Phe; replaces leucine 993 with phenylalanine.
Molecular consequence: missense variant.
Genome position (GRCh38, 1-based): chr1:160,139,927, C>T. VCF-style: chr1-160139927-C-T. GRCh37 (hg19) VCF-style: chr1-160109717-C-T.
Other names: short protein forms L993F.
Identifiers: ClinVar variation 585461 (VCV000585461.9), dbSNP rs1303848624, ClinGen allele CA343256255.